The following is an entry in ClinVar:

NM_024642.5(GALNT12):c.1190A>G (p.His397Arg)

Gene: GALNT12 (polypeptide N-acetylgalactosaminyltransferase 12; plus strand). Cytogenetic location: 9q22.33.
Variant type: single nucleotide variant.
Coding change: c.1190A>G on transcript NM_024642.5 (MANE Select); coding-DNA position 1190, A replaced by G.
Protein change: p.His397Arg; replaces histidine 397 with arginine.
Molecular consequence: missense variant.
Genome position (GRCh38, 1-based): chr9:98,837,126, A>G. VCF-style: chr9-98837126-A-G. GRCh37 (hg19) VCF-style: chr9-101599408-A-G.
Other names: short protein forms H397R.
Identifiers: ClinVar variation 2447042 (VCV002447042.3), dbSNP rs1836174089, ClinGen allele CA374220032.

ClinVar aggregate classification (germline): Uncertain significance (1 of 4 stars; one submission).

Allele frequency attached by ClinVar (database versions not stated): gnomAD exomes below 0.00001; gnomAD 0.00001.
gnomAD v4.1: 2 of 1,613,988 alleles (0.00012%); highest among the groups gnomAD compares: Non-Finnish European, 0.00017%; no homozygotes.

Submission:

Ambry Genetics
Classification: Uncertain significance. Last evaluated: 2025-02-16. Review status: criteria provided, single submitter. Criteria: Ambry Variant Classification Scheme 2023. Collection method: clinical testing. Allele origin: germline.
Comment: The p.H397R variant (also known as c.1190A>G), located in coding exon 6 of the GALNT12 gene, results from an A to G substitution at nucleotide position 1190. The histidine at codon 397 is replaced by arginine, an amino acid with highly similar properties. This amino acid position is conserved. In addition, this alteration is predicted to be deleterious by in silico analysis. Since supporting evidence is limited at this time, the clinical significance of this alteration remains unclear.